The following is an entry in ClinVar:

NM_018897.3(DNAH7):c.1037del (p.Lys346fs)

Gene: DNAH7 (dynein axonemal heavy chain 7; minus strand). Cytogenetic location: 2q32.3.
Variant type: Deletion.
Coding change: c.1037del on transcript NM_018897.3 (MANE Select); coding-DNA position 1037, one base deleted (A; older notation c.1037delA).
Protein change: p.Lys346fs; shifts the reading frame from lysine 346.
Molecular consequence: frameshift variant.
Genome position (GRCh38, 1-based): chr2:196,001,811, T deleted on the plus strand (A on the coding strand, the reverse complement: DNAH7 is on the minus strand); the first of 8 consecutive T bases (chr2:196,001,811-196,001,818); deleting any one gives the same sequence. VCF-style (leftmost placement, unchanged base first): chr2-196001810-CT-C. GRCh37 (hg19) VCF-style: chr2-196866534-CT-C.
Other names: short protein forms K346fs.
Identifiers: ClinVar variation 3252510 (VCV003252510.1), dbSNP rs761292636.
Genomic context (GRCh38, chr2:196,001,810, plus strand): 5'-TGCAGCAGCACAGTTGAAAAAAGATTCCAATTTGGCACTGCTGTCACCAGTTGGCAATTG[CT>C]TTTTTTTATTACCTTGGTAATAAATATTCTGCACTTCTGGAAACCACCTTGAAAGAACAA-3'

ClinVar aggregate classification (germline): Uncertain significance (1 of 4 stars; one submission).

Submission:

GeneDx
Classification: Uncertain significance. Last evaluated: 2019-09-13. Review status: criteria provided, single submitter. Criteria: GeneDx Variant Classification Process June 2021. Collection method: clinical testing. Allele origin: germline. Affected: yes.
Comment: Frameshift variant predicted to result in protein truncation or nonsense mediated decay in a gene for which loss-of-function is not a known mechanism of disease; Has not been previously published as pathogenic or benign to our knowledge; Variants in candidate genes are classified as variants of uncertain significance in accordance with ACMG guidelines (Richards et al., 2015)